The following is an entry in ClinVar:

NM_000066.4(C8B):c.1618A>T (p.Lys540Ter)

Gene: C8B (complement C8 beta chain; minus strand). Cytogenetic location: 1p32.2.
Variant type: single nucleotide variant.
Coding change: c.1618A>T on transcript NM_000066.4 (MANE Select); coding-DNA position 1618, A replaced by T.
Protein change: p.Lys540Ter; replaces lysine 540 with a stop codon.
Molecular consequence: nonsense.
Genome position (GRCh38, 1-based): chr1:56,931,813, T>A on the plus strand (A>T on the coding strand, the complement: C8B is on the minus strand). VCF-style: chr1-56931813-T-A. GRCh37 (hg19) VCF-style: chr1-57397486-T-A.
Other names: c.1462A>T, p.Lys488Ter (NM_001278543.2); c.1432A>T, p.Lys478Ter (NM_001278544.2); short protein forms K488*, K540*, K478*.
Identifiers: ClinVar variation 2024861 (VCV002024861.4), dbSNP rs2522671121, ClinGen allele CA340519784.

ClinVar aggregate classification (germline): Uncertain significance (1 of 4 stars; one submission).

Submission:

Labcorp Genetics (formerly Invitae), Labcorp
Classification: Uncertain significance. Last evaluated: 2022-08-19. Review status: criteria provided, single submitter. Criteria: Invitae Variant Classification Sherloc (09022015). Collection method: clinical testing. Allele origin: germline.
Comment: Algorithms developed to predict the effect of sequence changes on RNA splicing suggest that this variant may create or strengthen a splice site. This sequence change creates a premature translational stop signal (p.Lys540*) in the C8B gene. While this is not anticipated to result in nonsense mediated decay, it is expected to disrupt the last 52 amino acid(s) of the C8B protein. This variant is not present in population databases (gnomAD no frequency). This variant has not been reported in the literature in individuals affected with C8B-related conditions. In summary, the available evidence is currently insufficient to determine the role of this variant in disease. Therefore, it has been classified as a Variant of Uncertain Significance.